The following is an entry in ClinVar:

NM_032043.3(BRIP1):c.2257+5C>T

Gene: BRIP1 (BRCA1 interacting DNA helicase 1; minus strand). Cytogenetic location: 17q23.2.
Variant type: single nucleotide variant.
Coding change: c.2257+5C>T on transcript NM_032043.3 (MANE Select); 5 bases into the intron after coding-DNA position 2257, C replaced by T.
Molecular consequence: intron variant.
Genome position (GRCh38, 1-based): chr17:61,744,427, G>A on the plus strand (C>T on the coding strand, the complement: BRIP1 is on the minus strand). VCF-style: chr17-61744427-G-A. GRCh37 (hg19) VCF-style: chr17-59821788-G-A.
Identifiers: ClinVar variation 388315 (VCV000388315.24), dbSNP rs1057523068, ClinGen allele CA16607409.
Genomic context (GRCh38, chr17:61,744,427, plus strand): 5'-ATTGTACCTTCTTACTTTGTAATAAAAAATATTTTTTCACCGACCATGAAATAATTTCCA[G>A]TTACCTTTCTCTCCTTTGTATTTGATTGCGTCATAGTACACCTGCAGTAATTCATCAAAA-3'

ClinVar aggregate classification (germline): Conflicting classifications of pathogenicity. Review status: criteria provided, conflicting classifications (1 of 4 stars). 5 submissions from 5 submitters: Uncertain significance (4); Likely benign (1). Last evaluated 2025-07-01.

Conditions:
Fanconi anemia complementation group J. Also called: BRIP1-Related Fanconi Anemia. Identifiers: Orphanet 84, MedGen C1836860, MONDO:0012187, OMIM 609054.
Familial cancer of breast. Also called: Hereditary breast cancer; BREAST CANCER, FAMILIAL; hereditary breast carcinoma. Identifiers: Orphanet 227535, MedGen C0346153, MONDO:0016419, OMIM 114480. Disease mechanism: loss of function.
Hereditary cancer-predisposing syndrome. Also called: Neoplastic Syndromes, Hereditary; Hereditary neoplastic syndrome; Tumor predisposition; Hereditary Cancer Syndrome. Identifiers: Orphanet 140162, MedGen C0027672, MeSH D009386, MONDO:0015356.

Allele frequency attached by ClinVar (database versions not stated): gnomAD exomes below 0.00001 and 0.00001; TOPMed 0.00001.
gnomAD v4.1: 1 of 1,613,090 alleles (0.000062%); highest among the groups gnomAD compares: Non-Finnish European, 0.000085%; no homozygotes.

Submissions (5):

CeGaT Center for Human Genetics Tuebingen
Classification: Uncertain significance. Last evaluated: 2025-07-01. Review status: criteria provided, single submitter. Criteria: CeGaT Center For Human Genetics Tuebingen Variant Classification Criteria Version 2. Collection method: clinical testing. Allele origin: germline. Affected: yes. Observed: 1 variant allele.
Comment: BRIP1: PM2, BP4

Ambry Genetics
Classification: Uncertain significance for Hereditary cancer-predisposing syndrome. Last evaluated: 2024-10-08. Review status: criteria provided, single submitter. Criteria: Ambry Variant Classification Scheme 2023. Collection method: clinical testing. Allele origin: germline.
Comment: The c.2257+5C>T intronic variant results from a C to T substitution 5 nucleotides after coding exon 14 in the BRIP1 gene. This nucleotide position is poorly conserved in available vertebrate species. In silico splice site analysis predicts that this alteration will not have any significant effect on splicing. Since supporting evidence is limited at this time, the clinical significance of this alteration remains unclear.

Labcorp Genetics (formerly Invitae), Labcorp
Classification: Uncertain significance for Familial cancer of breast; Fanconi anemia complementation group J. Last evaluated: 2024-05-06. Review status: criteria provided, single submitter. Criteria: Invitae Variant Classification Sherloc (09022015). Collection method: clinical testing. Allele origin: germline.
Comment: This sequence change falls in intron 15 of the BRIP1 gene. It does not directly change the encoded amino acid sequence of the BRIP1 protein. It affects a nucleotide within the consensus splice site. This variant is present in population databases (no rsID available, gnomAD no frequency), including at least one homozygous and/or hemizygous individual. This variant has not been reported in the literature in individuals affected with BRIP1-related conditions. ClinVar contains an entry for this variant (Variation ID: 388315). Variants that disrupt the consensus splice site are a relatively common cause of aberrant splicing (PMID: 17576681, 9536098). Algorithms developed to predict the effect of sequence changes on RNA splicing suggest that this variant is not likely to affect RNA splicing. In summary, the available evidence is currently insufficient to determine the role of this variant in disease. Therefore, it has been classified as a Variant of Uncertain Significance.

Mendelics
Classification: Uncertain significance for Familial cancer of breast. Last evaluated: 2019-05-28. Review status: criteria provided, single submitter. Criteria: Mendelics Assertion Criteria 2017. Collection method: clinical testing. Allele origin: unknown.

GeneDx
Classification: Likely benign. Last evaluated: 2016-08-04. Review status: criteria provided, single submitter. Criteria: GeneDx Variant Classification (06012015). Collection method: clinical testing. Allele origin: germline. Affected: yes.
Comment: This variant is considered likely benign or benign based on one or more of the following criteria: it is a conservative change, it occurs at a poorly conserved position in the protein, it is predicted to be benign by multiple in silico algorithms, and/or has population frequency not consistent with disease.

Literature cited by the submitters: PubMed 17576681 (cited by Labcorp Genetics (formerly Invitae), Labcorp); PubMed 9536098 (cited by Labcorp Genetics (formerly Invitae), Labcorp).